The following is an entry in ClinVar:

NM_031924.8(RSPH3):c.1048_1049insGTC (p.Ala350delinsGlyPro)

Gene: RSPH3 (radial spoke head 3; minus strand). Cytogenetic location: 6q25.3.
Variant type: Insertion.
Coding change: c.1048_1049insGTC on transcript NM_031924.8 (MANE Select); coding-DNA positions 1048 to 1049, GTC inserted.
Protein change: p.Ala350delinsGlyPro.
Molecular consequence: inframe indel. On other transcripts: non-coding transcript variant (1).
Genome position: GRCh38 VCF-style: chr6-158977746-G-GGAC. GRCh37 (hg19) VCF-style: chr6-159398778-G-GGAC.
Other names: c.1186_1187insGTC, p.Ala396delinsGlyPro (NM_001346418.1).
Identifiers: ClinVar variation 1009986 (VCV001009986.8), dbSNP rs1777895627, ClinGen allele CA1676373905.

ClinVar aggregate classification (germline): Uncertain significance (1 of 4 stars; one submission).

Conditions:
Primary ciliary dyskinesia 32. Also called: CILIARY DYSKINESIA, PRIMARY, 32, WITHOUT SITUS INVERSUS. Identifiers: Orphanet 244, MedGen C4225311, MONDO:0014657, OMIM 616481.

Submission:

Labcorp Genetics (formerly Invitae), Labcorp
Classification: Uncertain significance for Primary ciliary dyskinesia 32. Last evaluated: 2023-11-28. Review status: criteria provided, single submitter. Criteria: Invitae Variant Classification Sherloc (09022015). Collection method: clinical testing. Allele origin: germline.
Comment: This variant, c.1474_1475insGTC, is a complex sequence change that results in the deletion of 1 and insertion of 2 amino acid(s) in the RSPH3 protein (p.Ala492delinsGlyPro). This variant is not present in population databases (gnomAD no frequency). This variant has not been reported in the literature in individuals affected with RSPH3-related conditions. ClinVar contains an entry for this variant (Variation ID: 1009986). Experimental studies and prediction algorithms are not available or were not evaluated, and the functional significance of this variant is currently unknown. In summary, the available evidence is currently insufficient to determine the role of this variant in disease. Therefore, it has been classified as a Variant of Uncertain Significance.